The following is an entry in ClinVar:

GRCh37/hg19 6q27(chr6:167091844-170919482)x1

Genes: AFDN (afadin, adherens junction formation factor; plus strand), C6orf120 (chromosome 6 open reading frame 120; plus strand), CCR6 (C-C motif chemokine receptor 6; plus strand), CEP43 (centrosomal protein 43; plus strand), DACT2 (dishevelled binding antagonist of beta catenin 2; minus strand) and 19 more. Cytogenetic location: 6q27.
Variant type: copy number loss.
Change: copy number 1 (one copy instead of two) of chr6:167,091,844-170,919,482 (3.83 Mb, GRCh37 coordinates, 1-based), cytogenetic band 6q27.
Identifiers: ClinVar variation 2685219 (VCV002685219.1).

ClinVar aggregate classification (germline): Pathogenic (1 of 4 stars; one submission).

Submission:

Quest Diagnostics Nichols Institute San Juan Capistrano
Classification: Pathogenic. Last evaluated: 2022-08-31. Review status: criteria provided, single submitter. Criteria: ACMG/ClinGen CNV Guidelines, 2019. Collection method: clinical testing. Allele origin: unknown.
Comment: The terminal copy number loss of 6q27 involves multiple protein-coding genes, including DLL1 (OMIM 606582) and TBP (OMIM 600075). Haploinsufficiency of DLL1 has been associated with autosomal dominant neurodevelopmental disorder with nonspecific brain abnormalities and with or without seizures (NEDBAS; OMIM 618709). Heterozygous deletions similar to the current interval have been described in individuals with variable phenotypes (Eash 2005, Thakur 2018). As copy number losses of this interval have been associated with a clinical phenotype, and there are no similar copy number losses of this region in the general populations of the Database of Genomic Variants, the classification of this copy number variant (CNV) is pathogenic. References: Eash et al. Clin Genet. 2005;67(5):396-403. PMID: 15811006 Thakur et al., Am J Med Genet A. 2018 Sep;176(9):1985-1990. PMID: 30194807